The following is an entry in ClinVar:

ClinVar aggregate classification (germline): Uncertain significance (1 of 4 stars; one submission).

Conditions:
Cardiovascular phenotype. Identifiers: MedGen CN230736.

Allele frequency attached by ClinVar (database versions not stated): ExAC 0.00001.
gnomAD v4.1: 2 of 1,613,900 alleles (0.00012%); highest among the groups gnomAD compares: South Asian, 0.0022%; 1 homozygote.

Submission:

Ambry Genetics
Classification: Uncertain significance for Cardiovascular phenotype. Last evaluated: 2025-07-12. Review status: criteria provided, single submitter. Criteria: Ambry Variant Classification Scheme 2023. Collection method: clinical testing. Allele origin: germline.
Comment: The p.S1003C variant (also known as c.3008C>G), located in coding exon 13 of the MYPN gene, results from a C to G substitution at nucleotide position 3008. The serine at codon 1003 is replaced by cysteine, an amino acid with dissimilar properties. This amino acid position is conserved. In addition, this alteration is predicted to be tolerated by in silico analysis. Since supporting evidence is limited at this time, the clinical significance of this alteration remains unclear.

NM_032578.4(MYPN):c.3008C>G (p.Ser1003Cys)

Gene: MYPN (myopalladin; plus strand). Cytogenetic location: 10q21.3.
Variant type: single nucleotide variant.
Coding change: c.3008C>G on transcript NM_032578.4 (MANE Select); coding-DNA position 3008, C replaced by G.
Protein change: p.Ser1003Cys; replaces serine 1003 with cysteine.
Molecular consequence: missense variant. On other transcripts: non-coding transcript variant (2).
Genome position (GRCh38, 1-based): chr10:68,194,445, C>G. VCF-style: chr10-68194445-C-G. GRCh37 (hg19) VCF-style: chr10-69954202-C-G.
Other names: c.3008C>G, p.Ser1003Cys (NM_001256267.2); c.2126C>G, p.Ser709Cys (NM_001256268.2); short protein forms S1003C, S709C.
Identifiers: ClinVar variation 2563984 (VCV002563984.3), dbSNP rs779029734, ClinGen allele CA5522920.
Genomic context (GRCh38, chr10:68,194,445, plus strand): 5'-AGCAGATTTCTAAGAGAAATGAGCACTGCAAAATGAGGCGAGAAGGAGATGGGACATGCT[C>G]TCTGCACATTGAATCCACTACCAGTGATGACGATGGCAACTACACCATCATGGCAGCCAA-3'
Protein context (NP_115967.2, residues 993-1013): KMRREGDGTC[Ser1003Cys]LHIESTTSDD